The following is an entry in ClinVar:

ClinVar aggregate classification (germline): Uncertain significance (1 of 4 stars; one submission).

Submission:

Labcorp Genetics (formerly Invitae), Labcorp
Classification: Uncertain significance. Last evaluated: 2023-04-07. Review status: criteria provided, single submitter. Criteria: Invitae Variant Classification Sherloc (09022015). Collection method: clinical testing. Allele origin: unknown.
Comment: This variant has not been reported in the literature in individuals affected with TERF2IP-related conditions. In summary, the available evidence is currently insufficient to determine the role of this variant in disease. Therefore, it has been classified as a Variant of Uncertain Significance. Experimental studies and prediction algorithms are not available or were not evaluated, and the functional significance of this variant is currently unknown. This variant results in the deletion of part of exon 3 (c.833_*1583delinsATGTATAAATACATATC) of the TERF2IP gene. While this deletion is not anticipated to lead to nonsense mediated decay, it is expected to alter mRNA translation or result in a truncated protein product.

NC_000016.9:g.(?_75690142)_(75692092_?)del

Gene: TERF2IP (TERF2 interacting protein; plus strand). Cytogenetic location: 16q23.1.
Variant type: Deletion.
Identifiers: ClinVar variation 3243661 (VCV003243661.1).